The following is an entry in ClinVar:

ClinVar aggregate classification (germline): Pathogenic (1 of 4 stars; one submission).

Conditions:
Cerebellar ataxia, impaired intellectual development, and dysequilibrium syndrome 2. Also called: CEREBELLAR ATAXIA, MENTAL RETARDATION, AND DYSEQUILIBRIUM SYNDROME 2; CEREBELLAR ATAXIA AND MENTAL RETARDATION WITH OR WITHOUT QUADRUPEDAL LOCOMOTION 2; Cerebellar ataxia, intellectual disability, and dysequilibrium syndrome 2. Identifiers: Orphanet 1766, MedGen C2750234, MONDO:0012430, OMIM 610185.

Submission:

Women's Health and Genetics/Laboratory Corporation of America, LabCorp
Classification: Pathogenic for Cerebellar ataxia, impaired intellectual development, and dysequilibrium syndrome 2. Last evaluated: 2024-03-06. Review status: criteria provided, single submitter. Criteria: LabCorp Variant Classification Summary - May 2015. Collection method: clinical testing. Allele origin: germline.
Comment: Variant summary: WDR81 c.2698G>T (p.Glu900X) results in a premature termination codon, predicted to cause a truncation of the encoded protein or absence of the protein due to nonsense mediated decay, which are commonly known mechanisms for disease. The variant was absent in 156428 control chromosomes. To our knowledge, no occurrence of c.2698G>T in individuals affected with Cerebellar Ataxia, Intellectual Disability, And Dysequilibrium Syndrome 2 and no experimental evidence demonstrating its impact on protein function have been reported. No submitters have cited clinical-significance assessments for this variant to ClinVar. Based on the evidence outlined above, the variant was classified as pathogenic.

NM_001163809.2(WDR81):c.2698G>T (p.Glu900Ter)

Gene: WDR81 (WD repeat domain 81; plus strand). Cytogenetic location: 17p13.3.
Variant type: single nucleotide variant.
Coding change: c.2698G>T on transcript NM_001163809.2 (MANE Select); coding-DNA position 2698, G replaced by T.
Protein change: p.Glu900Ter; replaces glutamic acid 900 with a stop codon.
Molecular consequence: nonsense. On other transcripts: intron variant (3).
Genome position (GRCh38, 1-based): chr17:1,727,657, G>T. VCF-style: chr17-1727657-G-T. GRCh37 (hg19) VCF-style: chr17-1630951-G-T.
Other names: c.-123-333G>T (NM_152348.4); c.59-2723G>T (NM_001163673.2); c.-14-2723G>T (NM_001163811.2); short protein forms E900*.
Identifiers: ClinVar variation 3233622 (VCV003233622.2), dbSNP rs1250268669, ClinGen allele CA397592343.